The following is an entry in ClinVar:

ClinVar aggregate classification (germline): Uncertain significance (1 of 4 stars; one submission).

Conditions:
Cortical dysplasia-focal epilepsy syndrome (PTHSL1). Also called: Pitt-Hopkins-like syndrome 1. Identifiers: Orphanet 163681, Orphanet 221150, MedGen C2750246, MONDO:0012400, OMIM 610042.

Submission:

Labcorp Genetics (formerly Invitae), Labcorp
Classification: Uncertain significance for Cortical dysplasia-focal epilepsy syndrome. Last evaluated: 2022-02-17. Review status: criteria provided, single submitter. Criteria: Invitae Variant Classification Sherloc (09022015). Collection method: clinical testing. Allele origin: germline.
Comment: In summary, the available evidence is currently insufficient to determine the role of this variant in disease. Therefore, it has been classified as a Variant of Uncertain Significance. Algorithms developed to predict the effect of missense changes on protein structure and function (SIFT, PolyPhen-2, Align-GVGD) all suggest that this variant is likely to be disruptive. This variant has not been reported in the literature in individuals affected with CNTNAP2-related conditions. This variant is not present in population databases (gnomAD no frequency). This sequence change replaces phenylalanine, which is neutral and non-polar, with cysteine, which is neutral and slightly polar, at codon 858 of the CNTNAP2 protein (p.Phe858Cys).

NM_014141.6(CNTNAP2):c.2573T>G (p.Phe858Cys)

Gene: CNTNAP2 (contactin associated protein 2; plus strand). Cytogenetic location: 7q35.
Variant type: single nucleotide variant.
Coding change: c.2573T>G on transcript NM_014141.6 (MANE Select); coding-DNA position 2573, T replaced by G.
Protein change: p.Phe858Cys; replaces phenylalanine 858 with cysteine.
Molecular consequence: missense variant.
Genome position (GRCh38, 1-based): chr7:148,147,509, T>G. VCF-style: chr7-148147509-T-G. GRCh37 (hg19) VCF-style: chr7-147844601-T-G.
Other names: short protein forms F858C.
Identifiers: ClinVar variation 1474310 (VCV001474310.6), dbSNP rs2116652377, ClinGen allele CA369927865.